The following is an entry in ClinVar:

ClinVar aggregate classification (germline): Uncertain significance (1 of 4 stars; one submission).

Conditions:
Hereditary cancer-predisposing syndrome. Also called: Neoplastic Syndromes, Hereditary; Tumor predisposition; Hereditary neoplastic syndrome; Hereditary Cancer Syndrome. Identifiers: Orphanet 140162, MedGen C0027672, MeSH D009386, MONDO:0015356.

Submission:

Ambry Genetics
Classification: Uncertain significance for Hereditary cancer-predisposing syndrome. Last evaluated: 2026-07-06. Review status: criteria provided, single submitter. Criteria: Ambry Variant Classification Scheme 2023. Collection method: clinical testing. Allele origin: germline.
Comment: The p.R191L variant (also known as c.572G>T), located in coding exon 6 of the BMPR1A gene, results from a G to T substitution at nucleotide position 572. The arginine at codon 191 is replaced by leucine, an amino acid with dissimilar properties. This amino acid position is conserved. In addition, the in silico prediction for this alteration is inconclusive. Based on the available evidence, the clinical significance of this variant remains unclear.

NM_004329.3(BMPR1A):c.572G>T (p.Arg191Leu)

Gene: BMPR1A (bone morphogenetic protein receptor type 1A; plus strand). Cytogenetic location: 10q23.2.
Variant type: single nucleotide variant.
Coding change: c.572G>T on transcript NM_004329.3 (MANE Select); coding-DNA position 572, G replaced by T.
Protein change: p.Arg191Leu; replaces arginine 191 with leucine.
Molecular consequence: missense variant. On other transcripts: non-coding transcript variant (3), intron variant (1).
Genome position (GRCh38, 1-based): chr10:86,912,281, G>T. VCF-style: chr10-86912281-G-T. GRCh37 (hg19) VCF-style: chr10-88672038-G-T.
Other names: c.647G>T, p.Arg216Leu (NM_001406559.1); c.620G>T, p.Arg207Leu (NM_001406560.1); c.572G>T, p.Arg191Leu (NM_001406561.1, NM_001406562.1, NM_001406563.1 and 20 more transcripts); c.488G>T, p.Arg163Leu (NM_001406584.1, NM_001406585.1, NM_001406586.1 and 2 more transcripts); c.334-4853G>T (NM_001406589.1); short protein forms R163L, R207L, R191L, R216L.
Identifiers: ClinVar variation 5032988 (VCV005032988.1).